The following is an entry in ClinVar:

ClinVar aggregate classification (germline): Uncertain significance (1 of 4 stars; one submission).

Conditions:
Developmental and epileptic encephalopathy, 42 (DEE42A). Also called: DEVELOPMENTAL AND EPILEPTIC ENCEPHALOPATHY 42A; EPILEPTIC ENCEPHALOPATHY, EARLY INFANTILE, 42A; Epileptic encephalopathy, early infantile, 42. Identifiers: MedGen C4310716, MONDO:0014917, OMIM 617106.

Submission:

Neuberg Centre For Genomic Medicine, NCGM
Classification: Uncertain significance for Developmental and epileptic encephalopathy, 42. Review status: criteria provided, single submitter. Criteria: ACMG Guidelines, 2015. Collection method: clinical testing. Allele origin: germline. Affected: yes.
Comment: The missense variant NM_001127221.1 (CACNA1A):c.5882T>A (p.Met1961Lys) has not been reported previously as a pathogenic variant nor as a benign variant, to our knowledge. The p.Met1961Lys variant is novel (not in any individuals) in gnomAD. The p.Met1961Lys missense variant is predicted to be damaging by both SIFT and PolyPhen2. The methionine residue at codon 1961 of CACNA1A is conserved in all mammalian species. The nucleotide c.5882 in CACNA1A is predicted conserved by GERP++ and PhyloP across 100 vertebrates. For these reasons, this variant has been classified as Uncertain Significance.

NM_001127222.2(CACNA1A):c.5879T>A (p.Met1960Lys)

Gene: CACNA1A (calcium voltage-gated channel subunit alpha1 A; minus strand). Cytogenetic location: 19p13.13.
Variant type: single nucleotide variant.
Coding change: c.5879T>A on transcript NM_001127222.2 (MANE Select); coding-DNA position 5879, T replaced by A.
Protein change: p.Met1960Lys; replaces methionine 1960 with lysine.
Molecular consequence: missense variant.
Genome position (GRCh38, 1-based): chr19:13,214,294, A>T on the plus strand (T>A on the coding strand, the complement: CACNA1A is on the minus strand). VCF-style: chr19-13214294-A-T. GRCh37 (hg19) VCF-style: chr19-13325108-A-T.
Other names: c.5897T>A, p.Met1966Lys (NM_000068.4, NM_023035.3); c.5882T>A, p.Met1961Lys (NM_001127221.2); c.5888T>A, p.Met1963Lys (NM_001174080.2); short protein forms M1960K, M1961K, M1963K, M1966K.
Identifiers: ClinVar variation 1878631 (VCV001878631.1), dbSNP rs2512543731, ClinGen allele CA404334135.
Genomic context (GRCh38, chr19:13,214,294, plus strand): 5'-TGCTCCTCGCGCATGGCCTGCAGCTTCTTGGCCTTGCTCTGCCGGTAGTACTCCATGATC[A>T]TCATGGCTGCGTAGATCTTCCCCACGGTGAGGTCCGTGGCTGGGGGCACACACACGGTGA-3'
Protein context (NP_001120694.1, residues 1950-1970): LTVGKIYAAM[Met1960Lys]IMEYYRQSKA